The following is an entry in ClinVar:

NM_001165963.4(SCN1A):c.3899C>T (p.Thr1300Ile)

Genes: SCN1A (sodium voltage-gated channel alpha subunit 1; minus strand), LOC102724058 (uncharacterized LOC102724058; plus strand). Cytogenetic location: 2q24.3.
Variant type: single nucleotide variant.
Coding change: c.3899C>T on transcript NM_001165963.4 (MANE Select); coding-DNA position 3899, C replaced by T.
Protein change: p.Thr1300Ile; replaces threonine 1300 with isoleucine.
Molecular consequence: missense variant. On other transcripts: non-coding transcript variant (1).
Genome position (GRCh38, 1-based): chr2:166,009,822, G>A on the plus strand (C>T on the coding strand, the complement: SCN1A is on the minus strand). VCF-style: chr2-166009822-G-A. GRCh37 (hg19) VCF-style: chr2-166866332-G-A.
Other names: p.T1300I:ACA>ATA; c.3899C>T (NM_001202435.1); c.3815C>T, p.Thr1272Ile (NM_001165964.3, NM_001353957.2, NM_001353958.2); c.3899C>T, p.Thr1300Ile (NM_001202435.3, NM_001353948.2); c.3866C>T, p.Thr1289Ile (NM_001353949.2, NM_001353950.2, NM_001353951.2 and 2 more transcripts); c.3863C>T, p.Thr1288Ile (NM_001353954.2, NM_001353955.2); c.3812C>T, p.Thr1271Ile (NM_001353960.2); c.1457C>T, p.Thr486Ile (NM_001353961.2); short protein forms T1289I, T1300I, T1272I, T486I, T1288I, T1271I.
Identifiers: ClinVar variation 206812 (VCV000206812.92), dbSNP rs146878122, ClinGen allele CA317408.

ClinVar aggregate classification (germline): Conflicting classifications of pathogenicity. Review status: criteria provided, conflicting classifications (1 of 4 stars). 11 submissions from 11 submitters: Uncertain significance (3); Likely benign (7). 1 of the submissions does not count toward it. Last evaluated 2026-04-01.

Conditions:
SCN1A-related disorder. Also called: SCN1A-related disorders; SCN1A-related conditions; SCN1A-related condition.
Early-infantile DEE. Also called: Ohtahara syndrome; Early infantile epileptic encephalopathy; Early infantile epileptic encephalopathy with suppression bursts. Identifiers: Orphanet 1934, MedGen C0393706, MONDO:0800491.
Inborn genetic diseases. Identifiers: MedGen C0950123, MeSH D030342.
Severe myoclonic epilepsy in infancy (DRVT). Also called: Epileptic encephalopathy, early infantile, 6 (Dravet syndrome); DEVELOPMENTAL AND EPILEPTIC ENCEPHALOPATHY 6A; Severe Myoclonic Epilepsy in Infancy (SMEI); SEVERE MYOCLONIC EPILEPSY OF INFANCY; Dravet syndrome. Identifiers: Orphanet 33069, MedGen C0751122, MONDO:0100135, OMIM 607208.
Intellectual disability. Also called: Intellectual functioning disability; intellectual disabilities; Intellectual developmental disorder. Identifiers: MedGen C3714756, MeSH D008607, MONDO:0001071, HP:0001249.

Allele frequency attached by ClinVar (database versions not stated): ESP Exome Variant Server 0.00008; gnomAD exomes 0.00009 and 0.00016; 1000 Genomes Project 30x 0.00016; ExAC 0.00017; gnomAD 0.00018 and 0.00019; 1000 Genomes Project 0.00020; TOPMed 0.00030.
gnomAD v4.1: 160 of 1,606,822 alleles (0.01%); highest among the groups gnomAD compares: Middle Eastern, 0.1%; 1 homozygote.

Submissions (21):

CeGaT Center for Human Genetics Tuebingen
Classification: Likely benign. Last evaluated: 2026-04-01. Review status: criteria provided, single submitter. Criteria: CeGaT Center For Human Genetics Tuebingen Variant Classification Criteria Version 2. Collection method: clinical testing. Allele origin: germline. Affected: yes. Observed: 5 variant alleles.
Comment: SCN1A: PM5, BS2

Labcorp Genetics (formerly Invitae), Labcorp
Classification: Likely benign for Early-infantile DEE. Last evaluated: 2026-01-24. Review status: criteria provided, single submitter. Criteria: Invitae Variant Classification Sherloc (09022015). Collection method: clinical testing. Allele origin: germline.

PreventionGenetics, part of Exact Sciences
Classification: Uncertain significance for SCN1A-related condition. Last evaluated: 2025-01-07. Review status: criteria provided, single submitter. Criteria: ACMG Guidelines, 2015. Collection method: clinical testing. Allele origin: germline.
Comment: The SCN1A c.3899C>T variant is predicted to result in the amino acid substitution p.Thr1300Ile. This variant was reported in twins with generalized epilepsy and was inherited from their apparently unaffected mother (Landoulsi et al. 2018. PubMed ID: 29948376). This variant is reported in 0.045% of alleles in individuals of Latino descent in gnomAD. Although we suspect that this variant may be benign, at this time, the clinical significance of this variant is uncertain due to the absence of conclusive functional and genetic evidence.

Blueprint Genetics
Classification: Likely benign. Last evaluated: 2024-04-12. Review status: criteria provided, single submitter. Criteria: ACMG Guidelines, 2015. Collection method: clinical testing. Allele origin: germline.

Women's Health and Genetics/Laboratory Corporation of America, LabCorp
Classification: Likely benign. Last evaluated: 2023-01-11. Review status: criteria provided, single submitter. Criteria: LabCorp Variant Classification Summary - May 2015. Collection method: clinical testing. Allele origin: germline.
Comment: Variant summary: SCN1A c.3899C>T (p.Thr1300Ile) results in a non-conservative amino acid change located in the ion transport domain (IPR005821) of the encoded protein sequence. Three of five in-silico tools predict a damaging effect of the variant on protein function. The variant allele was found at a frequency of 0.00016 in 250156 control chromosomes (gnomAD). The observed variant frequency is approximately 9 fold of the estimated maximal expected allele frequency for a pathogenic variant in SCN1A causing SCN1A-Related Seizure Disorder phenotype (1.8e-05), strongly suggesting that the variant is benign. c.3899C>T has been reported in the literature in the heterozygous state in twin siblings affected with juvenile myoclonic epilepsy, however both parents also carried the variant and were unaffected (Landoulsi_2018). The siblings and mother from this family were also heterozygous for a variant in MAST4 (c.4486G>A, p.Val1496Met), but without strong evidence for pathogenicity. Thus this report does not provide unequivocal conclusions about association of c.3899C>T with SCN1A-Related Seizure Disorder. To our knowledge, no experimental evidence demonstrating an impact on protein function has been reported. Seven submitters have provided clinical-significance assessments for this variant to ClinVar after 2014 without evidence for independent evaluation and classified it as either likely benign (n=4) or VUS (n=3). Based on the evidence outlined above, the variant was classified as likely benign.

Ambry Genetics
Classification: Likely benign for Inborn genetic diseases. Last evaluated: 2021-09-15. Review status: criteria provided, single submitter. Criteria: Ambry Variant Classification Scheme 2023. Collection method: clinical testing. Allele origin: germline.

GeneDx
Classification: Likely benign. Last evaluated: 2020-12-02. Review status: criteria provided, single submitter. Criteria: GeneDx Variant Classification Process June 2021. Collection method: clinical testing. Allele origin: germline. Affected: yes.
Comment: This variant is associated with the following publications: (PMID: 29948376)

Mendelics
Classification: Likely benign for Severe myoclonic epilepsy in infancy. Last evaluated: 2019-05-28. Review status: criteria provided, single submitter. Criteria: Mendelics Assertion Criteria 2017. Collection method: clinical testing. Allele origin: unknown.

Genetic Services Laboratory, University of Chicago
Classification: Uncertain significance. Last evaluated: 2017-05-02. Review status: criteria provided, single submitter. Criteria: ACMG Guidelines, 2015. Collection method: clinical testing. Allele origin: germline. Affected: no.

Eurofins Ntd Llc (ga)
Classification: Uncertain significance. Last evaluated: 2015-06-16. Review status: criteria provided, single submitter. Criteria: EGL Classification Definitions 2015. Collection method: clinical testing. Allele origin: germline. Observed: 1 variant allele, 1 heterozygote.

Centre de Biologie Pathologie Génétique, Centre Hospitalier Universitaire de Lille
Classification: Uncertain significance for Intellectual disability. Last evaluated: 2019-01-01. Review status: no assertion criteria provided. Collection method: clinical testing. Allele origin: unknown. Affected: yes. Not counted in ClinVar's aggregate classification.

Channelopathy-Associated Epilepsy Research Center
No classification provided (evidence only). Review status: no classification provided. Collection method: in vitro. Allele origin: not applicable. Functional consequence: Normal peak current. Not counted in ClinVar's aggregate classification.

Channelopathy-Associated Epilepsy Research Center
No classification provided (evidence only). Review status: no classification provided. Collection method: in vitro. Allele origin: not applicable. Functional consequence: Hyperpolarizing shift of voltage dependence of activation. Not counted in ClinVar's aggregate classification.

Channelopathy-Associated Epilepsy Research Center
No classification provided (evidence only). Review status: no classification provided. Collection method: in vitro. Allele origin: not applicable. Functional consequence: Normal slope of activation. Not counted in ClinVar's aggregate classification.

Channelopathy-Associated Epilepsy Research Center
No classification provided (evidence only). Review status: no classification provided. Collection method: in vitro. Allele origin: not applicable. Functional consequence: Hyperpolarizing shift of voltage dependence of fast inactivation. Not counted in ClinVar's aggregate classification.

Channelopathy-Associated Epilepsy Research Center
No classification provided (evidence only). Review status: no classification provided. Collection method: in vitro. Allele origin: not applicable. Functional consequence: Normal slope of fast inactivation. Not counted in ClinVar's aggregate classification.

Channelopathy-Associated Epilepsy Research Center
No classification provided (evidence only). Review status: no classification provided. Collection method: in vitro. Allele origin: not applicable. Functional consequence: Normal rate of recovery from fast inactivation. Not counted in ClinVar's aggregate classification.

Channelopathy-Associated Epilepsy Research Center
No classification provided (evidence only). Review status: no classification provided. Collection method: in vitro. Allele origin: not applicable. Functional consequence: Normal current amplitude in use dependence. Not counted in ClinVar's aggregate classification.

Channelopathy-Associated Epilepsy Research Center
No classification provided (evidence only). Review status: no classification provided. Collection method: in vitro. Allele origin: not applicable. Functional consequence: Acceleration of fast inactivation. Not counted in ClinVar's aggregate classification.

Channelopathy-Associated Epilepsy Research Center
No classification provided (evidence only). Review status: no classification provided. Collection method: in vitro. Allele origin: not applicable. Functional consequence: Normal ramp current. Not counted in ClinVar's aggregate classification.

Channelopathy-Associated Epilepsy Research Center
No classification provided (evidence only). Review status: no classification provided. Collection method: in vitro. Allele origin: not applicable. Functional consequence: Normal persistent current. Not counted in ClinVar's aggregate classification.

Literature cited by the submitters: PubMed 29948376 (cited by Women's Health and Genetics/Laboratory Corporation of America, LabCorp).